The following is an entry in ClinVar:

ClinVar aggregate classification (germline): Uncertain significance. Review status: criteria provided, multiple submitters, no conflicts (2 of 4 stars). 3 submissions from 3 submitters: Uncertain significance (3). Last evaluated 2025-08-21.

Conditions:
Cataract 3 multiple types. Also called: CATARACT 3, MULTIPLE TYPES, WITH OR WITHOUT MICROCORNEA. Identifiers: Orphanet 1377, MedGen C1832175, MONDO:0011104, OMIM 601547.
CRYBB2-related disorder. Also called: CRYBB2-related condition.
Inborn genetic diseases. Identifiers: MedGen C0950123, MeSH D030342.

Allele frequency attached by ClinVar (database versions not stated): ExAC 0.00002; gnomAD exomes 0.00002 and 0.00004; gnomAD 0.00005 and 0.00006; TOPMed 0.00006.
gnomAD v4.1: 66 of 1,614,000 alleles (0.0041%); highest among the groups gnomAD compares: South Asian, 0.0055%; no homozygotes.

Submissions (3):

Ambry Genetics
Classification: Uncertain significance for Inborn genetic diseases. Last evaluated: 2025-08-21. Review status: criteria provided, single submitter. Criteria: Ambry Variant Classification Scheme 2023. Collection method: clinical testing. Allele origin: germline.

PreventionGenetics, part of Exact Sciences
Classification: Uncertain significance for CRYBB2-related condition. Last evaluated: 2022-12-08. Review status: criteria provided, single submitter. Criteria: ACMG Guidelines, 2015. Collection method: clinical testing. Allele origin: germline.
Comment: The CRYBB2 c.181G>A variant is predicted to result in the amino acid substitution p.Gly61Ser. To our knowledge, this variant has not been reported in the literature. This variant is reported in 0.0056% of alleles in individuals of Latino descent in gnomAD. At this time, the clinical significance of this variant is uncertain due to the absence of conclusive functional and genetic evidence.

Labcorp Genetics (formerly Invitae), Labcorp
Classification: Uncertain significance for Cataract 3 multiple types. Last evaluated: 2019-12-11. Review status: criteria provided, single submitter. Criteria: Invitae Variant Classification Sherloc (09022015). Collection method: clinical testing. Allele origin: germline.
Comment: In summary, the available evidence is currently insufficient to determine the role of this variant in disease. Therefore, it has been classified as a Variant of Uncertain Significance. Algorithms developed to predict the effect of sequence changes on RNA splicing suggest that this variant may create or strengthen a splice site, but this prediction has not been confirmed by published transcriptional studies. Algorithms developed to predict the effect of missense changes on protein structure and function (SIFT, PolyPhen-2, Align-GVGD) all suggest that this variant is likely to be disruptive, but these predictions have not been confirmed by published functional studies and their clinical significance is uncertain. This variant has not been reported in the literature in individuals with CRYBB2-related conditions. The frequency data for this variant in the population databases is considered unreliable, as metrics indicate poor data quality at this position in the ExAC database. This sequence change replaces glycine with serine at codon 61 of the CRYBB2 protein (p.Gly61Ser). The glycine residue is highly conserved and there is a small physicochemical difference between glycine and serine.

NM_000496.3(CRYBB2):c.181G>A (p.Gly61Ser)

Gene: CRYBB2 (crystallin beta B2; plus strand). Cytogenetic location: 22q11.23.
Variant type: single nucleotide variant.
Coding change: c.181G>A on transcript NM_000496.3 (MANE Select); coding-DNA position 181, G replaced by A.
Protein change: p.Gly61Ser; replaces glycine 61 with serine.
Molecular consequence: missense variant.
Genome position (GRCh38, 1-based): chr22:25,227,860, G>A. VCF-style: chr22-25227860-G-A. GRCh37 (hg19) VCF-style: chr22-25623827-G-A.
Other names: short protein forms G61S.
Identifiers: ClinVar variation 849925 (VCV000849925.11), dbSNP rs770592991, ClinGen allele CA10157963.
Genomic context (GRCh38, chr22:25,227,860, plus strand): 5'-AGGAAGCTTGGAGTGGAACTGACCTGCCCCCTTTCTCTCTGTCTCCATGGCAGCTGGGTG[G>A]GCTATGAACAGGCCAACTGCAAGGGCGAGCAGTTTGTGTTTGAGAAGGGTGAGTACCCCC-3'
Protein context (NP_000487.1, residues 51-71): SVLVQAGPWV[Gly61Ser]YEQANCKGEQ